The following is an entry in ClinVar:

NM_015662.3(IFT172):c.3711+3G>A

Genes: IFT172 (intraflagellar transport 172; minus strand), LOC126806173 (BRD4-independent group 4 enhancer GRCh37_chr2:27676057-27677256; plus strand). Cytogenetic location: 2p23.3.
Variant type: single nucleotide variant.
Coding change: c.3711+3G>A on transcript NM_015662.3 (MANE Select); 3 bases into the intron after coding-DNA position 3711, G replaced by A.
Molecular consequence: intron variant.
Genome position (GRCh38, 1-based): chr2:27,453,979, C>T on the plus strand (G>A on the coding strand, the complement: IFT172 is on the minus strand). VCF-style: chr2-27453979-C-T. GRCh37 (hg19) VCF-style: chr2-27676846-C-T.
Other names: c.3711+3G>A (NM_015662.1).
Identifiers: ClinVar variation 707240 (VCV000707240.36), dbSNP rs202055593, ClinGen allele CA1579900.

ClinVar aggregate classification (germline): Benign/Likely benign. Review status: criteria provided, multiple submitters, no conflicts (2 of 4 stars). 4 submissions from 4 submitters: Benign (1); Likely benign (3). Last evaluated 2026-01-07.

Conditions:
Retinitis pigmentosa 71 (RP71). Identifiers: Orphanet 791, MedGen C4225342, MONDO:0014618, OMIM 616394.
Short-rib thoracic dysplasia 10 with or without polydactyly (SRTD10). Identifiers: Orphanet 474, MedGen C3810175, MONDO:0014284, OMIM 615630.
Inborn genetic diseases. Identifiers: MedGen C0950123, MeSH D030342.

Allele frequency attached by ClinVar (database versions not stated): gnomAD 0.00024; TOPMed 0.00027; ExAC 0.00034; ESP Exome Variant Server 0.00046; gnomAD exomes 0.00052.
gnomAD v4.1: 409 of 1,609,578 alleles (0.025%); highest among the groups gnomAD compares: Non-Finnish European, 0.005%; 1 homozygote.

Submissions (4):

Labcorp Genetics (formerly Invitae), Labcorp
Classification: Benign for Retinitis pigmentosa 71; Short-rib thoracic dysplasia 10 with or without polydactyly. Last evaluated: 2026-01-07. Review status: criteria provided, single submitter. Criteria: Invitae Variant Classification Sherloc (09022015). Collection method: clinical testing. Allele origin: germline.

Blueprint Genetics
Classification: Likely benign. Last evaluated: 2024-10-14. Review status: criteria provided, single submitter. Criteria: ACMG Guidelines, 2015. Collection method: clinical testing. Allele origin: germline.

CeGaT Center for Human Genetics Tuebingen
Classification: Likely benign. Last evaluated: 2024-02-01. Review status: criteria provided, single submitter. Criteria: CeGaT Center For Human Genetics Tuebingen Variant Classification Criteria Version 2. Collection method: clinical testing. Allele origin: germline. Affected: yes. Observed: 2 variant alleles.
Comment: IFT172: BP4

Ambry Genetics
Classification: Likely benign for Inborn genetic diseases. Last evaluated: 2021-03-31. Review status: criteria provided, single submitter. Criteria: Ambry Variant Classification Scheme 2023. Collection method: clinical testing. Allele origin: germline.